The following is an entry in ClinVar:

ClinVar aggregate classification (germline): Uncertain significance (1 of 4 stars; one submission).

gnomAD v4.1: 1 of 1,613,920 alleles (0.000062%); no homozygotes.

Submission:

CeGaT Center for Human Genetics Tuebingen
Classification: Uncertain significance. Last evaluated: 2026-01-01. Review status: criteria provided, single submitter. Criteria: CeGaT Center For Human Genetics Tuebingen Variant Classification Criteria Version 2. Collection method: clinical testing. Allele origin: germline. Affected: yes. Observed: 1 variant allele.
Comment: DNAAF1: PM2, BP4

NM_178452.6(DNAAF1):c.2111T>G (p.Val704Gly)

Gene: DNAAF1 (dynein axonemal assembly factor 1; plus strand). Cytogenetic location: 16q24.1.
Variant type: single nucleotide variant.
Coding change: c.2111T>G on transcript NM_178452.6 (MANE Select); coding-DNA position 2111, T replaced by G.
Protein change: p.Val704Gly; replaces valine 704 with glycine.
Molecular consequence: missense variant.
Genome position (GRCh38, 1-based): chr16:84,177,774, T>G. VCF-style: chr16-84177774-T-G. GRCh37 (hg19) VCF-style: chr16-84211380-T-G.
Other names: c.1403T>G, p.Val468Gly (NM_001318756.1); short protein forms V468G, V704G.
Identifiers: ClinVar variation 4821729 (VCV004821729.4).